The following is an entry in ClinVar:

NM_201384.3(PLEC):c.5065C>T (p.Leu1689=)

Gene: PLEC (plectin; minus strand). Cytogenetic location: 8q24.3.
Variant type: single nucleotide variant.
Coding change: c.5065C>T on transcript NM_201384.3 (MANE Select); coding-DNA position 5065, C replaced by T.
Protein change: p.Leu1689=; no amino-acid change (leucine 1689 retained).
Molecular consequence: synonymous variant.
Genome position (GRCh38, 1-based): chr8:143,924,864, G>A on the plus strand (C>T on the coding strand, the complement: PLEC is on the minus strand). VCF-style: chr8-143924864-G-A. GRCh37 (hg19) VCF-style: chr8-144999032-G-A.
Other names: c.5146C>T, p.Leu1716= (NM_000445.5); c.5023C>T, p.Leu1675= (NM_201378.4); c.4999C>T, p.Leu1667= (NM_201379.3); c.5476C>T, p.Leu1826= (NM_201380.4); c.4969C>T, p.Leu1657= (NM_201381.3); c.5065C>T, p.Leu1689= (NM_201382.4); c.5077C>T, p.Leu1693= (NM_201383.3).
Identifiers: ClinVar variation 283644 (VCV000283644.20), dbSNP rs371126082, ClinGen allele CA4926442.

ClinVar aggregate classification (germline): Benign/Likely benign. Review status: criteria provided, multiple submitters, no conflicts (2 of 4 stars). 5 submissions from 5 submitters: Benign (1); Likely benign (4). Last evaluated 2026-01-21.

Conditions:
Epidermolysis bullosa simplex, Ogna type (EBS5A). Also called: Pidermolysis bullosa simplex 5A, Ogna type; EPIDERMOLYSIS BULLOSA SIMPLEX 5A, OGNA TYPE. Identifiers: Orphanet 79401, MedGen C0432317, MONDO:0007555, OMIM 131950.
Epidermolysis bullosa simplex with nail dystrophy (EBS5D). Identifiers: MedGen C4225309, MONDO:0014661, OMIM 616487.
Autosomal recessive limb-girdle muscular dystrophy type 2Q (LGMDR17). Also called: MUSCULAR DYSTROPHY, LIMB-GIRDLE, AUTOSOMAL RECESSIVE 17. Identifiers: Orphanet 254361, MedGen C3150989, MONDO:0013390, OMIM 613723.
Epidermolysis bullosa simplex 5C, with pyloric atresia (EBS5C). Also called: Epidermolysis bullosa simplex with pyloric atresia; PLEC1-Related Epidermolysis Bullosa with Pyloric Atresia; PLEC-Related Epidermolysis Bullosa with Pyloric Atresia. Identifiers: Orphanet 158684, MedGen C2677349, MONDO:0012807, OMIM 612138.
Epidermolysis bullosa simplex 5B, with muscular dystrophy (EBS5B). Also called: Epidermolysis bullosa simplex with muscular dystrophy; EPIDERMOLYSIS BULLOSA SIMPLEX AND LIMB-GIRDLE MUSCULAR DYSTROPHY. Identifiers: Orphanet 257, MedGen C2931072, MONDO:0009181, OMIM 226670.

Allele frequency attached by ClinVar (database versions not stated): 1000 Genomes Project 0.00020; ESP Exome Variant Server 0.00027; ExAC 0.00044; 1000 Genomes Project 30x 0.00047; TOPMed 0.00056; gnomAD 0.00058 and 0.00063.
gnomAD v4.1: 226 of 1,587,792 alleles (0.014%); highest among the groups gnomAD compares: African/African-American, 0.19%; 1 homozygote.

Submissions (5):

Labcorp Genetics (formerly Invitae), Labcorp
Classification: Benign for Autosomal recessive limb-girdle muscular dystrophy type 2Q; Epidermolysis bullosa simplex, Ogna type; Epidermolysis bullosa simplex with nail dystrophy; Epidermolysis bullosa simplex 5C, with pyloric atresia; Epidermolysis bullosa simplex 5B, with muscular dystrophy. Last evaluated: 2026-01-21. Review status: criteria provided, single submitter. Criteria: Invitae Variant Classification Sherloc (09022015). Collection method: clinical testing. Allele origin: germline.

CeGaT Center for Human Genetics Tuebingen
Classification: Likely benign. Last evaluated: 2026-01-01. Review status: criteria provided, single submitter. Criteria: CeGaT Center For Human Genetics Tuebingen Variant Classification Criteria Version 2. Collection method: clinical testing. Allele origin: germline. Affected: yes. Observed: 1 variant allele.
Comment: PLEC: BP4

Blueprint Genetics
Classification: Likely benign. Last evaluated: 2024-11-01. Review status: criteria provided, single submitter. Criteria: ACMG Guidelines, 2015. Collection method: clinical testing. Allele origin: germline.

Eurofins Ntd Llc (ga)
Classification: Likely benign. Last evaluated: 2016-07-06. Review status: criteria provided, single submitter. Criteria: EGL Classification Definitions 2015. Collection method: clinical testing. Allele origin: germline. Observed: 1 variant allele, 1 heterozygote.

Breakthrough Genomics
Classification: Likely benign. Review status: criteria provided, single submitter. Criteria: ACMG Guidelines, 2015. Collection method: not provided. Allele origin: germline. Inheritance: Autosomal recessive inheritance. Affected: yes.